The following is an entry in ClinVar:

NM_007294.4(BRCA1):c.3866del (p.Thr1289fs)

Genes: BRCA1 (BRCA1 DNA repair associated; minus strand), LOC126862571 (BRD4-independent group 4 enhancer GRCh37_chr17:41243136-41244335; plus strand). Cytogenetic location: 17q21.31.
Variant type: Deletion.
Coding change: c.3866del on transcript NM_007294.4 (MANE Select); coding-DNA position 3866, one base deleted (C; older notation c.3866delC).
Protein change: p.Thr1289fs; shifts the reading frame from threonine 1289.
Molecular consequence: frameshift variant. On other transcripts: intron variant (135).
Genome position (GRCh38, 1-based): chr17:43,091,665, G deleted on the plus strand (C on the coding strand, the reverse complement: BRCA1 is on the minus strand). VCF-style (leftmost placement, unchanged base first): chr17-43091664-TG-T. GRCh37 (hg19) VCF-style: chr17-41243681-TG-T.
Other names: c.788-633del (NM_007298.4, NM_001407978.1, NM_001407979.1 and 17 more transcripts); c.644-633del (NM_001408462.1, NM_001408470.1, NM_001408464.1 and 3 more transcripts); c.710-633del (NM_001408414.1, NM_001408411.1, NM_001408415.1 and 2 more transcripts); c.3725del, p.Thr1242fs (NM_001407852.1, NM_001407692.1, NM_001407694.1 and 29 more transcripts); c.578-633del (NM_001408514.1, NM_001408485.1, NM_001408483.1 and 9 more transcripts); c.3653del, p.Thr1218fs (NM_001407853.1, NM_001407571.1, NM_001407894.1 and 9 more transcripts); c.3866del, p.Thr1289fs (NM_001407854.1, NM_001407858.1, NM_001407859.1 and 30 more transcripts); c.662-633del (NM_001408447.1, NM_001408433.1, NM_001408446.1 and 6 more transcripts); and 41 more; short protein forms T1162fs, T1178fs, T1201fs, T1218fs, T1219fs, T1222fs, T1262fs, T1263fs.
Identifiers: ClinVar variation 3825308 (VCV003825308.1).

ClinVar aggregate classification (germline): Pathogenic (1 of 4 stars; one submission).

Conditions:
Hereditary cancer-predisposing syndrome. Also called: Hereditary neoplastic syndrome; Neoplastic Syndromes, Hereditary; Tumor predisposition; Hereditary Cancer Syndrome. Identifiers: Orphanet 140162, MedGen C0027672, MeSH D009386, MONDO:0015356.

Submission:

Ambry Genetics
Classification: Pathogenic for Hereditary cancer-predisposing syndrome. Last evaluated: 2025-01-23. Review status: criteria provided, single submitter. Criteria: Ambry Variant Classification Scheme 2023. Collection method: clinical testing. Allele origin: germline.
Comment: The c.3866delC pathogenic mutation, located in coding exon 9 of the BRCA1 gene, results from a deletion of one nucleotide at nucleotide position 3866, causing a translational frameshift with a predicted alternate stop codon (p.T1289Kfs*18). This variant is considered to be rare based on population cohorts in the Genome Aggregation Database (gnomAD). This alteration is expected to result in loss of function by premature protein truncation or nonsense-mediated mRNA decay. As such, this alteration is interpreted as a disease-causing mutation.